The following is an entry in ClinVar:

ClinVar aggregate classification (germline): Likely benign (1 of 4 stars; one submission).

gnomAD v4.1: 1,370 of 1,601,712 alleles (0.086%); highest among the groups gnomAD compares: Non-Finnish European, 0.071%; 2 homozygotes.

Submission:

CeGaT Center for Human Genetics Tuebingen
Classification: Likely benign. Last evaluated: 2025-12-01. Review status: criteria provided, single submitter. Criteria: CeGaT Center For Human Genetics Tuebingen Variant Classification Criteria Version 2. Collection method: clinical testing. Allele origin: germline. Affected: yes. Observed: 2 variant alleles.
Comment: ROBO4: BP4

NM_019055.6(ROBO4):c.1149+6C>G

Gene: ROBO4 (roundabout guidance receptor 4; minus strand). Cytogenetic location: 11q24.2.
Variant type: single nucleotide variant.
Coding change: c.1149+6C>G on transcript NM_019055.6 (MANE Select); 6 bases into the intron after coding-DNA position 1149, C replaced by G.
Molecular consequence: intron variant.
Genome position (GRCh38, 1-based): chr11:124,895,075, G>C on the plus strand (C>G on the coding strand, the complement: ROBO4 is on the minus strand). VCF-style: chr11-124895075-G-C. GRCh37 (hg19) VCF-style: chr11-124764971-G-C.
Other names: c.714+6C>G (NM_001301088.2); c.1149+6C>G (NM_001441183.1).
Identifiers: ClinVar variation 4084030 (VCV004084030.8).